The following is an entry in ClinVar:

NM_198896.2(RAB6A):c.333C>T (p.Val111=)

Gene: RAB6A (RAB6A, member RAS oncogene family; minus strand). Cytogenetic location: 11q13.4.
Variant type: single nucleotide variant.
Coding change: c.333C>T on transcript NM_198896.2 (MANE Select); coding-DNA position 333, C replaced by T.
Protein change: p.Val111=; no amino-acid change (valine 111 retained).
Molecular consequence: synonymous variant. On other transcripts: intron variant (1).
Genome position (GRCh38, 1-based): chr11:73,716,319, G>A on the plus strand (C>T on the coding strand, the complement: RAB6A is on the minus strand). VCF-style: chr11-73716319-G-A. GRCh37 (hg19) VCF-style: chr11-73427364-G-A.
Other names: c.234C>T, p.Val78= (NM_001243719.2); c.333C>T, p.Val111= (NM_002869.5); c.183+4527C>T (NM_001243718.2).
Identifiers: ClinVar variation 2642143 (VCV002642143.24), dbSNP rs138322867, ClinGen allele CA6179637.

ClinVar aggregate classification (germline): Likely benign (1 of 4 stars; one submission).

Allele frequency attached by ClinVar (database versions not stated): gnomAD exomes 0.00061; ExAC 0.00145; 1000 Genomes Project 30x 0.00359; ESP Exome Variant Server 0.00393; gnomAD 0.00318; TOPMed 0.00355; 1000 Genomes Project 0.00359.
gnomAD v4.1: 1,479 of 1,613,136 alleles (0.092%); highest among the groups gnomAD compares: African/African-American, 0.81%; 8 homozygotes.

Submission:

CeGaT Center for Human Genetics Tuebingen
Classification: Likely benign. Last evaluated: 2023-01-01. Review status: criteria provided, single submitter. Criteria: CeGaT Center For Human Genetics Tuebingen Variant Classification Criteria Version 2. Collection method: clinical testing. Allele origin: germline. Affected: yes. Observed: 1 variant allele.
Comment: RAB6A: BP4, BS2